The following is an entry in ClinVar:

NC_000005.9:g.(?_150885126)_(151304110_?)dup

Genes: GLRA1 (glycine receptor alpha 1; minus strand), ATOX1 (antioxidant 1 copper chaperone; minus strand), FAT2 (FAT atypical cadherin 2; minus strand), G3BP1 (G3BP stress granule assembly factor 1; plus strand), SPARC (secreted protein acidic and cysteine rich; minus strand). Cytogenetic location: 5q33.1.
Variant type: Duplication.
Identifiers: ClinVar variation 2424627 (VCV002424627.3).

ClinVar aggregate classification (germline): Uncertain significance (1 of 4 stars; one submission).

Submission:

Labcorp Genetics (formerly Invitae), Labcorp
Classification: Uncertain significance. Last evaluated: 2022-08-16. Review status: criteria provided, single submitter. Criteria: Invitae Variant Classification Sherloc (09022015). Collection method: clinical testing. Allele origin: germline.
Comment: A copy number gain of the genomic region encompassing the full coding sequence of the SPARC gene has been identified. The boundaries of this event are unknown as they extend beyond the assayed region for this gene and therefore may encompass additional genes. As the precise location of this event is unknown, it may be in tandem or it may be located elsewhere in the genome. This variant has not been reported in the literature in individuals affected with SPARC-related conditions. In summary, the available evidence is currently insufficient to determine the role of this variant in disease. Therefore, it has been classified as a Variant of Uncertain Significance.